The following is an entry in ClinVar:

ClinVar aggregate classification (germline): Uncertain significance (1 of 4 stars; one submission).

Conditions:
Hajdu-Cheney syndrome (HJCYS). Also called: ACROOSTEOLYSIS WITH OSTEOPOROSIS AND CHANGES IN SKULL AND MANDIBLE; SERPENTINE FIBULA-POLYCYSTIC KIDNEY SYNDROME; Acroosteolysis dominant type. Identifiers: Orphanet 955, MedGen C0917715, MONDO:0007057, OMIM 102500.

Allele frequency attached by ClinVar (database versions not stated): gnomAD exomes below 0.00001.
gnomAD v4.1: 1 of 1,613,026 alleles (0.000062%); highest among the groups gnomAD compares: Non-Finnish European, 0.000085%; no homozygotes.

Submission:

Labcorp Genetics (formerly Invitae), Labcorp
Classification: Uncertain significance for Hajdu-Cheney syndrome. Last evaluated: 2022-09-01. Review status: criteria provided, single submitter. Criteria: Invitae Variant Classification Sherloc (09022015). Collection method: clinical testing. Allele origin: germline.
Comment: In summary, the available evidence is currently insufficient to determine the role of this variant in disease. Therefore, it has been classified as a Variant of Uncertain Significance. Advanced modeling of protein sequence and biophysical properties (such as structural, functional, and spatial information, amino acid conservation, physicochemical variation, residue mobility, and thermodynamic stability) performed at Invitae indicates that this missense variant is not expected to disrupt NOTCH2 protein function. ClinVar contains an entry for this variant (Variation ID: 573584). This variant has not been reported in the literature in individuals affected with NOTCH2-related conditions. This variant is not present in population databases (gnomAD no frequency). This sequence change replaces threonine, which is neutral and polar, with serine, which is neutral and polar, at codon 2306 of the NOTCH2 protein (p.Thr2306Ser).

NM_024408.4(NOTCH2):c.6916A>T (p.Thr2306Ser)

Gene: NOTCH2 (notch receptor 2; minus strand). Cytogenetic location: 1p12.
Variant type: single nucleotide variant.
Coding change: c.6916A>T on transcript NM_024408.4 (MANE Select); coding-DNA position 6916, A replaced by T.
Protein change: p.Thr2306Ser; replaces threonine 2306 with serine.
Molecular consequence: missense variant.
Genome position (GRCh38, 1-based): chr1:119,915,806, T>A on the plus strand (A>T on the coding strand, the complement: NOTCH2 is on the minus strand). VCF-style: chr1-119915806-T-A. GRCh37 (hg19) VCF-style: chr1-120458429-T-A.
Other names: short protein forms T2306S.
Identifiers: ClinVar variation 573584 (VCV000573584.10), dbSNP rs1557801809, ClinGen allele CA341874783.